The following is an entry in ClinVar:

NM_001715.3(BLK):c.1471del (p.Glu491fs)

Gene: BLK (BLK proto-oncogene, Src family tyrosine kinase). Cytogenetic location: 8p23.1.
Variant type: Deletion.
Coding change: c.1471del on transcript NM_001715.3 (MANE Select); coding-DNA position 1471, one base deleted.
Protein change: p.Glu491fs; shifts the reading frame from glutamic acid 491.
Molecular consequence: frameshift variant.
Genome position: GRCh38 VCF-style: chr8-11564059-TG-T. GRCh37 (hg19) VCF-style: chr8-11421568-TG-T.
Other names: c.1258del, p.Glu420fs (NM_001330465.2); short protein forms E420fs, E491fs.
Identifiers: ClinVar variation 1686504 (VCV001686504.2), dbSNP rs1436601574, ClinGen allele CA845990561.

ClinVar aggregate classification (germline): Uncertain significance. Review status: criteria provided, multiple submitters, no conflicts (2 of 4 stars). 2 submissions from 2 submitters: Uncertain significance (2). Last evaluated 2025-09-13.

Submissions (2):

Labcorp Genetics (formerly Invitae), Labcorp
Classification: Uncertain significance. Last evaluated: 2025-09-13. Review status: criteria provided, single submitter. Criteria: Invitae Variant Classification Sherloc (09022015). Collection method: clinical testing. Allele origin: germline.
Comment: This sequence change is expected to alter the c-terminus of the BLK protein (p.Glu491Argfs*93). While this is not anticipated to result in nonsense mediated decay, it is expected to disrupt the last 15 amino acid(s) of the BLK protein and extend the protein by 77 additional amino acid residues. This variant is not present in population databases (gnomAD no frequency). This variant has not been reported in the literature in individuals affected with BLK-related conditions. ClinVar contains an entry for this variant (Variation ID: 1686504). Experimental studies and prediction algorithms are not available or were not evaluated, and the functional significance of this variant is currently unknown. In summary, the available evidence is currently insufficient to determine the role of this variant in disease. Therefore, it has been classified as a Variant of Uncertain Significance.

Mendelics
Classification: Uncertain significance. Last evaluated: 2022-05-04. Review status: criteria provided, single submitter. Criteria: Mendelics Assertion Criteria 2019. Collection method: clinical testing. Allele origin: germline.